The following is an entry in ClinVar:

ClinVar aggregate classification (germline): Likely benign. Review status: criteria provided, multiple submitters, no conflicts (2 of 4 stars). 5 submissions from 5 submitters: Likely benign (5). Last evaluated 2026-09-21.

Conditions:
Cardiovascular phenotype. Identifiers: MedGen CN230736.
Walker-Warburg congenital muscular dystrophy. Also called: Muscular dystrophy-dystroglycanopathy, type A; Walker-Warburg syndrome. Identifiers: Orphanet 899, MedGen C0265221, MONDO:0000171.

Allele frequency attached by ClinVar (database versions not stated): gnomAD 0.00001; TOPMed below 0.00001; gnomAD exomes 0.00002 and 0.00001.
gnomAD v4.1: 31 of 1,613,856 alleles (0.0019%); highest among the groups gnomAD compares: Non-Finnish European, 0.0025%; no homozygotes.

Submissions (5):

Molecular Diagnostic Laboratory for Inherited Cardiovascular Disease, Montreal Heart Institute
Classification: Likely benign. Last evaluated: 2026-09-21. Review status: criteria provided, single submitter. Criteria: ACMG Guidelines, 2015. Collection method: clinical testing. Allele origin: germline. Affected: no.
Comment: BP7

Labcorp Genetics (formerly Invitae), Labcorp
Classification: Likely benign for Walker-Warburg congenital muscular dystrophy. Last evaluated: 2026-01-12. Review status: criteria provided, single submitter. Criteria: Invitae Variant Classification Sherloc (09022015). Collection method: clinical testing. Allele origin: germline.

Ambry Genetics
Classification: Likely benign for Cardiovascular phenotype. Last evaluated: 2025-06-16. Review status: criteria provided, single submitter. Criteria: Ambry Variant Classification Scheme 2023. Collection method: clinical testing. Allele origin: germline.

Blueprint Genetics
Classification: Likely benign. Last evaluated: 2021-08-27. Review status: criteria provided, single submitter. Criteria: ACMG Guidelines, 2015. Collection method: clinical testing. Allele origin: germline.

GeneDx
Classification: Likely benign. Last evaluated: 2016-02-18. Review status: criteria provided, single submitter. Criteria: GeneDx Variant Classification (06012015). Collection method: clinical testing. Allele origin: germline. Affected: yes.
Comment: This variant is considered likely benign or benign based on one or more of the following criteria: it is a conservative change, it occurs at a poorly conserved position in the protein, it is predicted to be benign by multiple in silico algorithms, and/or has population frequency not consistent with disease.

NM_001079802.2(FKTN):c.855G>A (p.Ala285=)

Gene: FKTN (fukutin; plus strand). Cytogenetic location: 9q31.2.
Variant type: single nucleotide variant.
Coding change: c.855G>A on transcript NM_001079802.2 (MANE Select); coding-DNA position 855, G replaced by A.
Protein change: p.Ala285=; no amino-acid change (alanine 285 retained).
Molecular consequence: synonymous variant. On other transcripts: non-coding transcript variant (1).
Genome position (GRCh38, 1-based): chr9:105,615,352, G>A. VCF-style: chr9-105615352-G-A. GRCh37 (hg19) VCF-style: chr9-108377633-G-A.
Other names: c.855G>A, p.Ala285= (NM_001198963.2, NM_001351496.2, NM_001351498.2 and 1 more transcripts); c.786G>A, p.Ala262= (NM_001351497.2); c.459G>A, p.Ala153= (NM_001351499.2, NM_001351500.2, NM_001351501.2 and 1 more transcripts).
Identifiers: ClinVar variation 382767 (VCV000382767.14), dbSNP rs1057521448, ClinGen allele CA16605536.
Genomic context (GRCh38, chr9:105,615,352, plus strand): 5'-TAACACTGTGGAAGCTGTGGCCTTTCGGAAGAGTGCAAAGGAATTACTGCAACTAGCAGC[G>A]AAAACATTAAACAAATTGGGAGTACCATTCTGGCTGAGCAGTGGAACTTGTCTAGGTAAA-3'
Protein context (NP_001073270.1, residues 275-295): KSAKELLQLA[Ala285=]KTLNKLGVPF